The following is an entry in ClinVar:

NM_181523.3(PIK3R1):c.1814+1G>C

Gene: PIK3R1 (phosphoinositide-3-kinase regulatory subunit 1; plus strand). Cytogenetic location: 5q13.1.
Variant type: single nucleotide variant.
Coding change: c.1814+1G>C on transcript NM_181523.3 (MANE Select); the canonical splice donor site of the intron after coding-DNA position 1814, G replaced by C.
Molecular consequence: splice donor variant.
Genome position (GRCh38, 1-based): chr5:68,295,489, G>C. VCF-style: chr5-68295489-G-C. GRCh37 (hg19) VCF-style: chr5-67591317-G-C.
Other names: c.914+1G>C (NM_181524.2); c.1004+1G>C (NM_181504.4); c.725+1G>C (NM_001242466.2).
Identifiers: ClinVar variation 4793386 (VCV004793386.1).

ClinVar aggregate classification (germline): Likely pathogenic (1 of 4 stars; one submission).

Conditions:
Agammaglobulinemia 7, autosomal recessive (AGM7). Also called: AGAMMAGLOBULINEMIA, AUTOSOMAL RECESSIVE, DUE TO PIK3R1 DEFECT. Identifiers: MedGen C3554689, MONDO:0014083, OMIM 615214.
SHORT syndrome. Also called: SHORT STATURE, HYPEREXTENSIBILITY, HERNIA, OCULAR DEPRESSION, RIEGER ANOMALY, AND TEETHING DELAY; LIPODYSTROPHY, PARTIAL, WITH RIEGER ANOMALY AND SHORT STATURE; PIK3R1-Related SHORT Syndrome. Identifiers: Orphanet 3163, MedGen C0878684, MONDO:0010026, OMIM 269880.
Immunodeficiency 36 with lymphoproliferation. Also called: Immunodeficiency 36; Activated PI3K Delta Syndrome Type 2 (APDS2); ACTIVATED PI3K-DELTA SYNDROME 2. Identifiers: Orphanet 397596, Orphanet 693681, MedGen C4014934, MONDO:0014453, OMIM 616005.

Submission:

Labcorp Genetics (formerly Invitae), Labcorp
Classification: Likely pathogenic for SHORT syndrome; Immunodeficiency 36 with lymphoproliferation; Agammaglobulinemia 7, autosomal recessive. Last evaluated: 2025-11-27. Review status: criteria provided, single submitter. Criteria: Invitae Variant Classification Sherloc (09022015). Collection method: clinical testing. Allele origin: germline.
Comment: This sequence change affects a donor splice site in intron 14 of the PIK3R1 gene. It is expected to disrupt RNA splicing. Variants that disrupt the donor or acceptor splice site typically lead to a loss of protein function (PMID: 16199547), and loss-of-function variants in PIK3R1 are known to be pathogenic (PMID: 22351933, 25133428). This variant is not present in population databases (gnomAD no frequency). This variant has not been reported in the literature in individuals affected with PIK3R1-related conditions. Algorithms developed to predict the effect of sequence changes on RNA splicing suggest that this variant may disrupt the consensus splice site. In summary, the currently available evidence indicates that the variant is pathogenic, but additional data are needed to prove that conclusively. Therefore, this variant has been classified as Likely Pathogenic.

Literature cited by the submitters: PubMed 16199547; PubMed 22351933; PubMed 25133428.